The following is an entry in ClinVar:

NM_001211.6(BUB1B):c.587T>A (p.Phe196Tyr)

Gene: BUB1B (BUB1 mitotic checkpoint serine/threonine kinase B; plus strand). Cytogenetic location: 15q15.1.
Variant type: single nucleotide variant.
Coding change: c.587T>A on transcript NM_001211.6 (MANE Select); coding-DNA position 587, T replaced by A.
Protein change: p.Phe196Tyr; replaces phenylalanine 196 with tyrosine.
Molecular consequence: missense variant.
Genome position (GRCh38, 1-based): chr15:40,183,719, T>A. VCF-style: chr15-40183719-T-A. GRCh37 (hg19) VCF-style: chr15-40475920-T-A.
Other names: short protein forms F196Y.
Identifiers: ClinVar variation 1750256 (VCV001750256.2), dbSNP rs1037175607, ClinGen allele CA268782540.

ClinVar aggregate classification (germline): Uncertain significance (1 of 4 stars; one submission).

Conditions:
Inborn genetic diseases. Identifiers: MedGen C0950123, MeSH D030342.

Allele frequency attached by ClinVar (database versions not stated): TOPMed below 0.00001; gnomAD 0.00001.
gnomAD v4.1: 1 of 1,613,904 alleles (0.000062%); highest among the groups gnomAD compares: African/African-American, 0.0013%; no homozygotes.

Submission:

Ambry Genetics
Classification: Uncertain significance for Inborn genetic diseases. Last evaluated: 2021-07-02. Review status: criteria provided, single submitter. Criteria: Ambry Variant Classification Scheme 2023. Collection method: clinical testing. Allele origin: germline.
Comment: The p.F196Y variant (also known as c.587T>A), located in coding exon 6 of the BUB1B gene, results from a T to A substitution at nucleotide position 587. The phenylalanine at codon 196 is replaced by tyrosine, an amino acid with highly similar properties. This amino acid position is conserved. In addition, the in silico prediction for this alteration is inconclusive. Since supporting evidence is limited at this time, the clinical significance of this alteration remains unclear.